The following is an entry in ClinVar:

NM_020433.5(JPH2):c.624C>T (p.Ala208=)

Gene: JPH2 (junctophilin 2; minus strand). Cytogenetic location: 20q13.12.
Variant type: single nucleotide variant.
Coding change: c.624C>T on transcript NM_020433.5 (MANE Select); coding-DNA position 624, C replaced by T.
Protein change: p.Ala208=; no amino-acid change (alanine 208 retained).
Molecular consequence: synonymous variant.
Genome position (GRCh38, 1-based): chr20:44,160,163, G>A on the plus strand (C>T on the coding strand, the complement: JPH2 is on the minus strand). VCF-style: chr20-44160163-G-A. GRCh37 (hg19) VCF-style: chr20-42788803-G-A.
Identifiers: ClinVar variation 264546 (VCV000264546.17), dbSNP rs398124358, ClinGen allele CA10587930.

ClinVar aggregate classification (germline): Likely benign. Review status: criteria provided, multiple submitters, no conflicts (2 of 4 stars). 5 submissions from 5 submitters: Likely benign (5). Last evaluated 2025-11-09.

Conditions:
JPH2-related disorder. Also called: JPH2-related condition.
Cardiovascular phenotype. Identifiers: MedGen CN230736.
Hypertrophic cardiomyopathy. Also called: HYPERTROPHIC MYOCARDIOPATHY. Identifiers: Orphanet 217569, MedGen C0007194, MeSH D002312, MONDO:0005045, HP:0001639.

Allele frequency attached by ClinVar (database versions not stated): TOPMed 0.00045; 1000 Genomes Project 30x 0.00062.
gnomAD v4.1: 91 of 1,422,148 alleles (0.0064%); highest among the groups gnomAD compares: African/African-American, 0.11%; no homozygotes.

Submissions (5):

Labcorp Genetics (formerly Invitae), Labcorp
Classification: Likely benign for Hypertrophic cardiomyopathy. Last evaluated: 2025-11-09. Review status: criteria provided, single submitter. Criteria: Invitae Variant Classification Sherloc (09022015). Collection method: clinical testing. Allele origin: germline.

PreventionGenetics, part of Exact Sciences
Classification: Likely benign for JPH2-related condition. Last evaluated: 2025-10-04. Review status: criteria provided, single submitter. Criteria: ACMG Guidelines, 2015. Collection method: clinical testing. Allele origin: germline.
Comment: This variant is classified as likely benign based on ACMG/AMP sequence variant interpretation guidelines (Richards et al. 2015 PMID: 25741868, with internal and published modifications).

Women's Health and Genetics/Laboratory Corporation of America, LabCorp
Classification: Likely benign. Last evaluated: 2024-04-25. Review status: criteria provided, single submitter. Criteria: LabCorp Variant Classification Summary - May 2015. Collection method: clinical testing. Allele origin: germline.

GeneDx
Classification: Likely benign. Last evaluated: 2018-02-02. Review status: criteria provided, single submitter. Criteria: GeneDx Variant Classification (06012015). Collection method: clinical testing. Allele origin: germline. Affected: yes.
Comment: This variant is considered likely benign or benign based on one or more of the following criteria: it is a conservative change, it occurs at a poorly conserved position in the protein, it is predicted to be benign by multiple in silico algorithms, and/or has population frequency not consistent with disease.

Ambry Genetics
Classification: Likely benign for Cardiovascular phenotype. Last evaluated: 2015-11-19. Review status: criteria provided, single submitter. Criteria: Ambry Variant Classification Scheme 2023. Collection method: clinical testing. Allele origin: germline.